The following is an entry in ClinVar:

ClinVar aggregate classification (germline): Uncertain significance (1 of 4 stars; one submission).

Submission:

CeGaT Center for Human Genetics Tuebingen
Classification: Uncertain significance. Last evaluated: 2023-02-01. Review status: criteria provided, single submitter. Criteria: CeGaT Center For Human Genetics Tuebingen Variant Classification Criteria Version 2. Collection method: clinical testing. Allele origin: germline. Affected: yes. Observed: 1 variant allele.
Comment: CEP83: PM2, PM3:Supporting, PP4, BP4

NM_016122.3(CEP83):c.549+5G>A

Gene: CEP83 (centrosomal protein 83; minus strand). Cytogenetic location: 12q22.
Variant type: single nucleotide variant.
Coding change: c.549+5G>A on transcript NM_016122.3 (MANE Select); 5 bases into the intron after coding-DNA position 549, G replaced by A.
Molecular consequence: intron variant.
Genome position (GRCh38, 1-based): chr12:94,400,845, C>T on the plus strand (G>A on the coding strand, the complement: CEP83 is on the minus strand). VCF-style: chr12-94400845-C-T. GRCh37 (hg19) VCF-style: chr12-94794621-C-T.
Other names: c.549+5G>A (NM_001346457.2, NM_001042399.2, NM_001368038.1 and 3 more transcripts); c.237+5G>A (NM_001346459.2, NM_001346458.2, NM_001368040.1 and 2 more transcripts); c.324+10852G>A (NM_001368041.1); c.12+10852G>A (NM_001368042.1).
Identifiers: ClinVar variation 2498566 (VCV002498566.28), dbSNP rs2542197929, ClinGen allele CA2580086752.